The following is an entry in ClinVar:

NM_000297.4(PKD2):c.710-10T>G

Gene: PKD2 (polycystin 2, transient receptor potential cation channel; plus strand). Cytogenetic location: 4q22.1.
Variant type: single nucleotide variant.
Coding change: c.710-10T>G on transcript NM_000297.4 (MANE Select); 10 bases into the intron before coding-DNA position 710, T replaced by G.
Molecular consequence: intron variant.
Genome position (GRCh38, 1-based): chr4:88,036,210, T>G. VCF-style: chr4-88036210-T-G. GRCh37 (hg19) VCF-style: chr4-88957362-T-G.
Identifiers: ClinVar variation 997245 (VCV000997245.9), dbSNP rs1727324181, ClinGen allele CA1065133242.

ClinVar aggregate classification (germline): Uncertain significance. Review status: criteria provided, multiple submitters, no conflicts (2 of 4 stars). 4 submissions from 4 submitters: Uncertain significance (3). 1 of the submissions does not count toward it. Last evaluated 2024-10-22.

Conditions:
Polycystic kidney disease 2 (PKD2). Also called: Polycystic Kidney Disease 2, Autosomal Dominant; POLYCYSTIC KIDNEY DISEASE, ADULT, TYPE II; POLYCYSTIC KIDNEY DISEASE 2 WITH OR WITHOUT POLYCYSTIC LIVER DISEASE. Identifiers: MedGen C2751306, MONDO:0013131, OMIM 613095.
Polycystic kidney disease. Also called: Kidney, Polycystic; Polycystic kidney dysplasia. Identifiers: MedGen C0022680, MeSH D007690, MONDO:0020642, HP:0000113.
Autosomal dominant polycystic kidney disease. Identifiers: Orphanet 730, MedGen C0085413, MONDO:0004691.

Allele frequency attached by ClinVar (database versions not stated): TOPMed below 0.00001; gnomAD 0.00001.
gnomAD v4.1: 1 of 1,613,678 alleles (0.000062%); highest among the groups gnomAD compares: Non-Finnish European, 0.000085%; no homozygotes.

Submissions (4):

Labcorp Genetics (formerly Invitae), Labcorp
Classification: Uncertain significance for Autosomal dominant polycystic kidney disease. Last evaluated: 2024-10-22. Review status: criteria provided, single submitter. Criteria: Invitae Variant Classification Sherloc (09022015). Collection method: clinical testing. Allele origin: germline.
Comment: This sequence change falls in intron 2 of the PKD2 gene. It does not directly change the encoded amino acid sequence of the PKD2 protein. This variant is not present in population databases (gnomAD no frequency). This variant has been observed in individual(s) with polycystic kidney disease (PMID: 26453610). ClinVar contains an entry for this variant (Variation ID: 997245). Algorithms developed to predict the effect of sequence changes on RNA splicing suggest that this variant may disrupt the consensus splice site. In summary, the available evidence is currently insufficient to determine the role of this variant in disease. Therefore, it has been classified as a Variant of Uncertain Significance.

Blueprint Genetics
Classification: Uncertain significance. Last evaluated: 2022-06-15. Review status: criteria provided, single submitter. Criteria: ACMG Guidelines, 2015. Collection method: clinical testing. Allele origin: germline.

Fulgent Genetics
Classification: Uncertain significance for Polycystic kidney disease 2. Last evaluated: 2021-11-29. Review status: criteria provided, single submitter. Criteria: ACMG Guidelines, 2015. Collection method: clinical testing. Allele origin: unknown.

Department of Pathology and Laboratory Medicine, Sinai Health System
Classification: Uncertain significance for Polycystic Kidney disease. Review status: no assertion criteria provided. Collection method: clinical testing. Allele origin: unknown. Affected: yes. Study: The Canadian Open Genetics Repository (COGR). Not counted in ClinVar's aggregate classification.
Comment: The PKD2 c.710-10T>G variant was identified in 1 of 440 proband chromosomes (frequency: 0.002) from individuals or families with ADPKD (Hwang 2016). The variant was not identified in dbSNP, ClinVar, LOVD 3.0, ADPKD Mutation Database, or PKD1-LOVD databases. The variant was not identified in the following control databases: the Exome Aggregation Consortium (August 8th 2016), or the Genome Aggregation Database (Feb 27, 2017). The variant occurs outside of the splicing consensus sequence and 3 of 4 in silico or computational prediction software programs (SpliceSiteFinder, MaxEntScan, NNSPLICE, GeneSplicer) predict a greater than 10% difference in splicing; this is not very predictive of pathogenicity. In summary, based on the above information the clinical significance of this variant cannot be determined with certainty at this time. This variant is classified as a variant of uncertain significance.

Literature cited by the submitters: PubMed 26453610 (cited by Labcorp Genetics (formerly Invitae), Labcorp).